The following is an entry in ClinVar:

NM_172250.3(MMAA):c.585C>T (p.Thr195=)

Gene: MMAA (metabolism of cobalamin associated A; plus strand). Cytogenetic location: 4q31.21.
Variant type: single nucleotide variant.
Coding change: c.585C>T on transcript NM_172250.3 (MANE Select); coding-DNA position 585, C replaced by T.
Protein change: p.Thr195=; no amino-acid change (threonine 195 retained).
Molecular consequence: synonymous variant.
Genome position (GRCh38, 1-based): chr4:145,646,008, C>T. VCF-style: chr4-145646008-C-T. GRCh37 (hg19) VCF-style: chr4-146567160-C-T.
Other names: c.585C>T, p.Thr195= (NM_001375644.1); c.585C>T (NM_172250.2).
Identifiers: ClinVar variation 1154388 (VCV001154388.11), dbSNP rs571797666, ClinGen allele CA3095215.

ClinVar aggregate classification (germline): Likely benign. Review status: criteria provided, single submitter (1 of 4 stars). 2 submissions from 2 submitters: Likely benign (1). 1 of the submissions does not count toward it. Last evaluated 2025-11-23.

Conditions:
Methylmalonic aciduria, cblA type (MACA). Also called: Vitamin B12-responsive methylmalonic acidemia type cblA; Methylmalonic aciduria, vitamin b12-responsive, due to defect in synthesis of adenosylcobalamin, cbla complementation type; MMA cbl A type; Methylmalonic acidemia cblA type; Methylmalonic aciduria, vitamin B12-responsive. Identifiers: Orphanet 28, Orphanet 79310, MedGen C1855109, MONDO:0009613, OMIM 251100.
MMAA-related disorder. Also called: MMAA-related condition.

Allele frequency attached by ClinVar (database versions not stated): TOPMed below 0.00001; gnomAD exomes 0.00001 and 0.00002; ExAC 0.00002.
gnomAD v4.1: 11 of 1,613,832 alleles (0.00068%); highest among the groups gnomAD compares: South Asian, 0.011%; no homozygotes.

Submissions (2):

Labcorp Genetics (formerly Invitae), Labcorp
Classification: Likely benign for Methylmalonic aciduria, cblA type. Last evaluated: 2025-11-23. Review status: criteria provided, single submitter. Criteria: Invitae Variant Classification Sherloc (09022015). Collection method: clinical testing. Allele origin: germline.

PreventionGenetics, part of Exact Sciences
Classification: Likely benign for MMAA-related condition. Last evaluated: 2022-01-17. Review status: no assertion criteria provided. Collection method: clinical testing. Allele origin: germline. Not counted in ClinVar's aggregate classification.
Comment: This variant is classified as likely benign based on ACMG/AMP sequence variant interpretation guidelines (Richards et al. 2015 PMID: 25741868, with internal and published modifications).